The following is an entry in ClinVar:

ClinVar aggregate classification (germline): Uncertain significance (1 of 4 stars; one submission).

Conditions:
Inborn genetic diseases. Identifiers: MedGen C0950123, MeSH D030342.

Submission:

Ambry Genetics
Classification: Uncertain significance for Inborn genetic diseases. Last evaluated: 2020-03-26. Review status: criteria provided, single submitter. Criteria: Ambry Variant Classification Scheme 2023. Collection method: clinical testing. Allele origin: germline.
Comment: The p.A852S variant (also known as c.2554G>T), located in coding exon 25 of the CC2D1A gene, results from a G to T substitution at nucleotide position 2554. The alanine at codon 852 is replaced by serine, an amino acid with similar properties. This amino acid position is not well conserved in available vertebrate species. In addition, this alteration is predicted to be tolerated by in silico analysis. Since supporting evidence is limited at this time, the clinical significance of this alteration remains unclear.

NM_017721.5(CC2D1A):c.2554G>T (p.Ala852Ser)

Gene: CC2D1A (coiled-coil and C2 domain containing 1A; plus strand). Cytogenetic location: 19p13.12.
Variant type: single nucleotide variant.
Coding change: c.2554G>T on transcript NM_017721.5 (MANE Select); coding-DNA position 2554, G replaced by T.
Protein change: p.Ala852Ser; replaces alanine 852 with serine.
Molecular consequence: missense variant.
Genome position (GRCh38, 1-based): chr19:13,929,413, G>T. VCF-style: chr19-13929413-G-T. GRCh37 (hg19) VCF-style: chr19-14040226-G-T.
Other names: c.2551G>T, p.Ala851Ser (NM_001411138.1); short protein forms A851S, A852S.
Identifiers: ClinVar variation 1792997 (VCV001792997.2), dbSNP rs2513145376, ClinGen allele CA404400799.